The following is an entry in ClinVar:

NM_000235.4(LIPA):c.435T>A (p.Asp145Glu)

Gene: LIPA (lipase A, lysosomal acid type; minus strand). Cytogenetic location: 10q23.31.
Variant type: single nucleotide variant.
Coding change: c.435T>A on transcript NM_000235.4 (MANE Select); coding-DNA position 435, T replaced by A.
Protein change: p.Asp145Glu; replaces aspartic acid 145 with glutamic acid.
Molecular consequence: missense variant.
Genome position (GRCh38, 1-based): chr10:89,226,998, A>T on the plus strand (T>A on the coding strand, the complement: LIPA is on the minus strand). VCF-style: chr10-89226998-A-T. GRCh37 (hg19) VCF-style: chr10-90986755-A-T.
Other names: c.435T>A, p.Asp145Glu (NM_001127605.3); c.87T>A, p.Asp29Glu (NM_001288979.2); short protein forms D145E, D29E.
Identifiers: ClinVar variation 695053 (VCV000695053.2), dbSNP rs760901300, ClinGen allele CA377517689.
Genomic context (GRCh38, chr10:89,226,998, plus strand): 5'-TTGGCCAGTTTTATTCAGAATGAAGTTAATGGAAGCTGGTAGGTCATATTTTGCCATCTC[A>T]TCATAACTGTAATCCAAGAAAGGAACTCTTTCATTGAAATAGTACATAAAATAGAGCACA-3'
Protein context (NP_000226.2, residues 135-155): SQDEFWAFSY[Asp145Glu]EMAKYDLPAS

ClinVar aggregate classification (germline): Likely pathogenic (1 of 4 stars; one submission).

Conditions:
Lysosomal acid lipase deficiency. Also called: Acid cholesteryl ester hydrolase deficiency, type 2. Identifiers: Orphanet 275761, MedGen C5574740, MONDO:0800449, MONDO:0010204.

Submission:

Alexion, Astrazeneca Rare Disease, Astrazeneca
Classification: Likely pathogenic for Lysosomal acid lipase deficiency. Last evaluated: 2019-06-01. Review status: criteria provided, single submitter. Criteria: ACMG Guidelines, 2015. Collection method: research. Allele origin: germline. Affected: yes.
Comment: ACMG PS3 criterion ascertained by in-vitro functional study, PMID:31180157

Literature cited by the submitters: PubMed 31180157; PubMed 24792990.